The following is an entry in ClinVar:

NM_005422.4(TECTA):c.2761del (p.Ser921fs)

Genes: TBCEL-TECTA (TBCEL-TECTA readthrough; plus strand), TECTA (tectorin alpha; plus strand), LOC126861365 (P300/CBP strongly-dependent group 1 enhancer GRCh37_chr11:121000154-121001353; plus strand). Cytogenetic location: 11q23.3.
Variant type: Deletion.
Coding change: c.2761del on transcript NM_005422.4 (MANE Select); coding-DNA position 2761, one base deleted (A; older notation c.2761delA).
Protein change: p.Ser921fs; shifts the reading frame from serine 921.
Molecular consequence: frameshift variant.
Genome position (GRCh38, 1-based): chr11:121,130,031, A deleted. VCF-style (leftmost placement, unchanged base first): chr11-121130030-CA-C. GRCh37 (hg19) VCF-style: chr11-121000739-CA-C.
Other names: c.3718del, p.Ser1240fs (NM_001378761.1); short protein forms S1240fs, S921fs.
Identifiers: ClinVar variation 2805787 (VCV002805787.3), dbSNP rs2496926041, ClinGen allele CA2739271784.

ClinVar aggregate classification (germline): Pathogenic (1 of 4 stars; one submission).

Submission:

Labcorp Genetics (formerly Invitae), Labcorp
Classification: Pathogenic. Last evaluated: 2023-02-06. Review status: criteria provided, single submitter. Criteria: Invitae Variant Classification Sherloc (09022015). Collection method: clinical testing. Allele origin: germline.
Comment: This sequence change creates a premature translational stop signal (p.Ser921Alafs*10) in the TECTA gene. It is expected to result in an absent or disrupted protein product. Loss-of-function variants in TECTA are known to be pathogenic (PMID: 11087000, 12746400, 17431902, 24130743). This variant is not present in population databases (gnomAD no frequency). This variant has not been reported in the literature in individuals affected with TECTA-related conditions. For these reasons, this variant has been classified as Pathogenic.

Literature cited by the submitters: PubMed 11087000; PubMed 12746400; PubMed 17431902; PubMed 24130743.